The following is an entry in ClinVar:

NM_001955.5(EDN1):c.231C>T (p.Pro77=)

Gene: EDN1 (endothelin 1; plus strand). Cytogenetic location: 6p24.1.
Variant type: single nucleotide variant.
Coding change: c.231C>T on transcript NM_001955.5 (MANE Select); coding-DNA position 231, C replaced by T.
Protein change: p.Pro77=; no amino-acid change (proline 77 retained).
Molecular consequence: synonymous variant.
Genome position (GRCh38, 1-based): chr6:12,292,507, C>T. VCF-style: chr6-12292507-C-T. GRCh37 (hg19) VCF-style: chr6-12292740-C-T.
Other names: c.228C>T, p.Pro76= (NM_001168319.2); c.231C>T, p.Pro77= (NM_001416563.1, NM_001416564.1, NM_001416565.1).
Identifiers: ClinVar variation 3058535 (VCV003058535.2), dbSNP rs755064642, ClinGen allele CA3638651.

ClinVar aggregate classification (germline): Likely benign (0 of 4 stars; one submission).

Conditions:
EDN1-related disorder. Also called: EDN1-related condition.

Allele frequency attached by ClinVar (database versions not stated): ExAC 0.00007; gnomAD 0.00007; TOPMed 0.00007; gnomAD exomes 0.00019.
gnomAD v4.1: 286 of 1,614,046 alleles (0.018%); highest among the groups gnomAD compares: Non-Finnish European, 0.023%; no homozygotes.

Submission:

PreventionGenetics, part of Exact Sciences
Classification: Likely benign for EDN1-related condition. Last evaluated: 2019-03-01. Review status: no assertion criteria provided. Collection method: clinical testing. Allele origin: germline.
Comment: This variant is classified as likely benign based on ACMG/AMP sequence variant interpretation guidelines (Richards et al. 2015 PMID: 25741868, with internal and published modifications).